The following is an entry in ClinVar:

ClinVar aggregate classification (germline): Pathogenic (1 of 4 stars; one submission).

Conditions:
Nemaline myopathy 2 (NEM2). Also called: Nemaline myopathy 2, autosomal recessive. Identifiers: MedGen C1850569, MONDO:0009725, OMIM 256030.

Submission:

Labcorp Genetics (formerly Invitae), Labcorp
Classification: Pathogenic for Nemaline myopathy 2. Last evaluated: 2024-06-17. Review status: criteria provided, single submitter. Criteria: Invitae Variant Classification Sherloc (09022015). Collection method: clinical testing. Allele origin: germline.
Comment: This sequence change creates a premature translational stop signal (p.Trp5577*) in the NEB gene. It is expected to result in an absent or disrupted protein product. Loss-of-function variants in NEB are known to be pathogenic (PMID: 25205138). This variant is present in population databases (no rsID available, gnomAD 0.0009%). This variant has not been reported in the literature in individuals affected with NEB-related conditions. For these reasons, this variant has been classified as Pathogenic.

Literature cited by the submitters: PubMed 25205138.

NM_001164508.2(NEB):c.16731G>A (p.Trp5577Ter)

Gene: NEB (nebulin; minus strand). Cytogenetic location: 2q23.3.
Variant type: single nucleotide variant.
Coding change: c.16731G>A on transcript NM_001164508.2 (MANE Select); coding-DNA position 16731, G replaced by A.
Protein change: p.Trp5577Ter; replaces tryptophan 5577 with a stop codon.
Molecular consequence: nonsense.
Genome position (GRCh38, 1-based): chr2:151,576,328, C>T on the plus strand (G>A on the coding strand, the complement: NEB is on the minus strand). VCF-style: chr2-151576328-C-T. GRCh37 (hg19) VCF-style: chr2-152432842-C-T.
Other names: c.16731G>A, p.Trp5577Ter (NM_001164507.2, NM_001271208.2); c.11628G>A, p.Trp3876Ter (NM_004543.5); short protein forms W3876*, W5577*.
Identifiers: ClinVar variation 3645067 (VCV003645067.2).
Genomic context (GRCh38, chr2:151,576,328, plus strand): 5'-GGCGTTTTTGACTCTCAACACTTCAGGAGACCCTTGGGGCATCCAGCCAATGCCACGCAA[C>T]CACTCCAAGTCAGCCTTGTAGAGGGCCTGAAAAAGAAAACACAGGTAGAAGCAGGGTTTG-3'